The following is an entry in ClinVar:

ClinVar aggregate classification (germline): Likely pathogenic (1 of 4 stars; one submission).

Submission:

Labcorp Genetics (formerly Invitae), Labcorp
Classification: Likely pathogenic. Last evaluated: 2024-01-04. Review status: criteria provided, single submitter. Criteria: Invitae Variant Classification Sherloc (09022015). Collection method: clinical testing. Allele origin: germline.
Comment: This sequence change affects an acceptor splice site in intron 29 of the LRPPRC gene. It is expected to disrupt RNA splicing. Variants that disrupt the donor or acceptor splice site typically lead to a loss of protein function (PMID: 16199547), and loss-of-function variants in LRPPRC are known to be pathogenic (PMID: 26510951). This variant is not present in population databases (gnomAD no frequency). This variant has not been reported in the literature in individuals affected with LRPPRC-related conditions. Algorithms developed to predict the effect of sequence changes on RNA splicing suggest that this variant may disrupt the consensus splice site. In summary, the currently available evidence indicates that the variant is pathogenic, but additional data are needed to prove that conclusively. Therefore, this variant has been classified as Likely Pathogenic.

Literature cited by the submitters: PubMed 16199547; PubMed 26510951.

NM_133259.4(LRPPRC):c.3149-2A>G

Gene: LRPPRC (leucine rich pentatricopeptide repeat containing; minus strand). Cytogenetic location: 2p21.
Variant type: single nucleotide variant.
Coding change: c.3149-2A>G on transcript NM_133259.4 (MANE Select); the canonical splice acceptor site of the intron before coding-DNA position 3149, A replaced by G.
Molecular consequence: splice acceptor variant.
Genome position (GRCh38, 1-based): chr2:43,912,560, T>C on the plus strand (A>G on the coding strand, the complement: LRPPRC is on the minus strand). VCF-style: chr2-43912560-T-C. GRCh37 (hg19) VCF-style: chr2-44139699-T-C.
Identifiers: ClinVar variation 2707262 (VCV002707262.3), dbSNP rs2466424635, ClinGen allele CA346667365.